The following is an entry in ClinVar:

NM_005154.5(USP8):c.3326T>C (p.Leu1109Ser)

Genes: USP50 (ubiquitin specific peptidase 50; minus strand), USP8 (ubiquitin specific peptidase 8; plus strand). Cytogenetic location: 15q21.2.
Variant type: single nucleotide variant.
Coding change: c.3326T>C on transcript NM_005154.5 (MANE Select); coding-DNA position 3326, T replaced by C.
Protein change: p.Leu1109Ser; replaces leucine 1109 with serine.
Molecular consequence: missense variant.
Genome position (GRCh38, 1-based): chr15:50,499,057, T>C. VCF-style: chr15-50499057-T-C. GRCh37 (hg19) VCF-style: chr15-50791254-T-C.
Other names: c.3326T>C, p.Leu1109Ser (NM_001128610.3); c.3008T>C, p.Leu1003Ser (NM_001283049.2); short protein forms L1003S, L1109S.
Identifiers: ClinVar variation 1962026 (VCV001962026.5), dbSNP rs770689793, ClinGen allele CA7556206.

ClinVar aggregate classification (germline): Uncertain significance (1 of 4 stars; one submission).

Conditions:
Hereditary spastic paraplegia. Also called: Familial spastic paraparesis. Identifiers: Orphanet 685, MedGen C0037773, MONDO:0019064. Disease mechanism: loss of function.

Allele frequency attached by ClinVar (database versions not stated): gnomAD exomes below 0.00001; ExAC 0.00001.
gnomAD v4.1: 4 of 1,612,552 alleles (0.00025%); highest among the groups gnomAD compares: Non-Finnish European, 0.00025%; no homozygotes.

Submission:

Labcorp Genetics (formerly Invitae), Labcorp
Classification: Uncertain significance for Hereditary spastic paraplegia. Last evaluated: 2025-12-23. Review status: criteria provided, single submitter. Criteria: Invitae Variant Classification Sherloc (09022015). Collection method: clinical testing. Allele origin: germline.
Comment: This sequence change replaces leucine, which is neutral and non-polar, with serine, which is neutral and polar, at codon 1109 of the USP8 protein (p.Leu1109Ser). This variant is present in population databases (rs770689793, gnomAD 0.0009%). This variant has not been reported in the literature in individuals affected with USP8-related conditions. ClinVar contains an entry for this variant (Variation ID: 1962026). An algorithm developed to predict the effect of missense changes on protein structure and function (PolyPhen-2) suggests that this variant is likely to be disruptive. In summary, the available evidence is currently insufficient to determine the role of this variant in disease. Therefore, it has been classified as a Variant of Uncertain Significance.